The following is an entry in ClinVar:

ClinVar aggregate classification (germline): Conflicting classifications of pathogenicity. Review status: criteria provided, conflicting classifications (1 of 4 stars). 3 submissions from 3 submitters: Uncertain significance (2); Likely benign (1). Last evaluated 2026-09-14.

Conditions:
Neonatal-onset encephalopathy with rigidity and seizures. Also called: Lethal neonatal spasticity-epileptic encephalopathy syndrome. Identifiers: Orphanet 435845, MedGen C3281029, MONDO:0013784, OMIM 614498.
Inborn genetic diseases. Identifiers: MedGen C0950123, MeSH D030342.

Allele frequency attached by ClinVar (database versions not stated): TOPMed 0.00004; gnomAD exomes 0.00003 and 0.00005; gnomAD 0.00004 and 0.00002; ExAC 0.00009.
gnomAD v4.1: 47 of 1,604,922 alleles (0.0029%); highest among the groups gnomAD compares: African/African-American, 0.011%; no homozygotes.

Submissions (3):

Ambry Genetics
Classification: Likely benign for Inborn genetic diseases. Last evaluated: 2026-09-14. Review status: criteria provided, single submitter. Criteria: Ambry Variant Classification Scheme 2023. Collection method: clinical testing. Allele origin: germline.

Revvity Omics, Revvity
Classification: Uncertain significance. Last evaluated: 2022-07-21. Review status: criteria provided, single submitter. Criteria: ACMG Guidelines, 2015. Collection method: clinical testing. Allele origin: germline.

Labcorp Genetics (formerly Invitae), Labcorp
Classification: Uncertain significance for Neonatal-onset encephalopathy with rigidity and seizures. Last evaluated: 2022-06-10. Review status: criteria provided, single submitter. Criteria: Invitae Variant Classification Sherloc (09022015). Collection method: clinical testing. Allele origin: germline.
Comment: This sequence change replaces proline, which is neutral and non-polar, with leucine, which is neutral and non-polar, at codon 668 of the BRAT1 protein (p.Pro668Leu). This variant is present in population databases (rs758503229, gnomAD 0.007%). This variant has not been reported in the literature in individuals affected with BRAT1-related conditions. ClinVar contains an entry for this variant (Variation ID: 860590). Algorithms developed to predict the effect of missense changes on protein structure and function (SIFT, PolyPhen-2, Align-GVGD) all suggest that this variant is likely to be tolerated. In summary, the available evidence is currently insufficient to determine the role of this variant in disease. Therefore, it has been classified as a Variant of Uncertain Significance.

NM_152743.4(BRAT1):c.2003C>T (p.Pro668Leu)

Gene: BRAT1 (BRCA1 associated ATM activator 1; minus strand). Cytogenetic location: 7p22.3.
Variant type: single nucleotide variant.
Coding change: c.2003C>T on transcript NM_152743.4 (MANE Select); coding-DNA position 2003, C replaced by T.
Protein change: p.Pro668Leu; replaces proline 668 with leucine.
Molecular consequence: missense variant. On other transcripts: non-coding transcript variant (1).
Genome position (GRCh38, 1-based): chr7:2,538,532, G>A on the plus strand (C>T on the coding strand, the complement: BRAT1 is on the minus strand). VCF-style: chr7-2538532-G-A. GRCh37 (hg19) VCF-style: chr7-2578166-G-A.
Other names: c.2183C>T, p.Pro728Leu (NM_001350626.2); c.1478C>T, p.Pro493Leu (NM_001350627.2); short protein forms P493L, P728L, P668L.
Identifiers: ClinVar variation 860590 (VCV000860590.10), dbSNP rs758503229, ClinGen allele CA4127488.